The following is an entry in ClinVar:

ClinVar aggregate classification (germline): Uncertain significance. Review status: criteria provided, multiple submitters, no conflicts (2 of 4 stars). 2 submissions from 2 submitters: Uncertain significance (2). Last evaluated 2024-07-06.

Submissions (2):

Labcorp Genetics (formerly Invitae), Labcorp
Classification: Uncertain significance. Last evaluated: 2024-07-06. Review status: criteria provided, single submitter. Criteria: Invitae Variant Classification Sherloc (09022015). Collection method: clinical testing. Allele origin: germline.
Comment: This sequence change replaces serine, which is neutral and polar, with proline, which is neutral and non-polar, at codon 2875 of the KMT2A protein (p.Ser2875Pro). This variant is not present in population databases (gnomAD no frequency). This variant has not been reported in the literature in individuals affected with KMT2A-related conditions. ClinVar contains an entry for this variant (Variation ID: 1308705). Advanced modeling of protein sequence and biophysical properties (such as structural, functional, and spatial information, amino acid conservation, physicochemical variation, residue mobility, and thermodynamic stability) performed at Invitae indicates that this missense variant is not expected to disrupt KMT2A protein function with a negative predictive value of 95%. In summary, the available evidence is currently insufficient to determine the role of this variant in disease. Therefore, it has been classified as a Variant of Uncertain Significance.

GeneDx
Classification: Uncertain significance. Last evaluated: 2020-02-14. Review status: criteria provided, single submitter. Criteria: GeneDx Variant Classification Process June 2021. Collection method: clinical testing. Allele origin: germline. Affected: yes.
Comment: Not observed in large population cohorts (Lek et al., 2016); In silico analysis supports that this missense variant does not alter protein structure/function; Has not been previously published as pathogenic or benign to our knowledge

NM_001197104.2(KMT2A):c.8623T>C (p.Ser2875Pro)

Gene: KMT2A (lysine methyltransferase 2A; plus strand). Cytogenetic location: 11q23.3.
Variant type: single nucleotide variant.
Coding change: c.8623T>C on transcript NM_001197104.2 (MANE Select); coding-DNA position 8623, T replaced by C.
Protein change: p.Ser2875Pro; replaces serine 2875 with proline.
Molecular consequence: missense variant.
Genome position (GRCh38, 1-based): chr11:118,504,515, T>C. VCF-style: chr11-118504515-T-C. GRCh37 (hg19) VCF-style: chr11-118375230-T-C.
Other names: c.8614T>C, p.Ser2872Pro (NM_005933.4); short protein forms S2872P, S2875P.
Identifiers: ClinVar variation 1308705 (VCV001308705.5), dbSNP rs2134399810, ClinGen allele CA382815134.
Genomic context (GRCh38, chr11:118,504,515, plus strand): 5'-TTTGTACTAAAGAATACTCCATCCATGCAGGCTTTGGGTGAGAGCCCAGAGTCATCTTCA[T>C]CAGAACTCCTGAATCTTGGTGAAGGATTGGGTCTTGACAGTAATCGTGAAAAAGACATGG-3'
Protein context (NP_001184033.1, residues 2865-2885): ALGESPESSS[Ser2875Pro]ELLNLGEGLG